The following is an entry in ClinVar:

ClinVar aggregate classification (germline): Uncertain significance. Review status: criteria provided, multiple submitters, no conflicts (2 of 4 stars). 2 submissions from 2 submitters: Uncertain significance (2). Last evaluated 2024-01-17.

Conditions:
Cardiovascular phenotype. Identifiers: MedGen CN230736.
Hereditary cancer-predisposing syndrome. Also called: Tumor predisposition; Neoplastic Syndromes, Hereditary; Hereditary Cancer Syndrome; Hereditary neoplastic syndrome. Identifiers: Orphanet 140162, MedGen C0027672, MeSH D009386, MONDO:0015356.
Neurofibromatosis, type 1 (NF1). Also called: NEUROFIBROMATOSIS, TYPE I, SOMATIC; VON RECKLINGHAUSEN DISEASE; Neurofibromatosis, type I; Peripheral type neurofibromatosis. Identifiers: Orphanet 636, MedGen C0027831, MONDO:0018975, OMIM 162200. Disease mechanism: loss of function.

Allele frequency attached by ClinVar (database versions not stated): TOPMed below 0.00001; gnomAD 0.00001.

Submissions (2):

Labcorp Genetics (formerly Invitae), Labcorp
Classification: Uncertain significance for Neurofibromatosis, type 1. Last evaluated: 2024-01-17. Review status: criteria provided, single submitter. Criteria: Invitae Variant Classification Sherloc (09022015). Collection method: clinical testing. Allele origin: germline.
Comment: This sequence change replaces proline, which is neutral and non-polar, with glutamine, which is neutral and polar, at codon 1400 of the NF1 protein (p.Pro1400Gln). This variant is not present in population databases (gnomAD no frequency). This variant has not been reported in the literature in individuals affected with NF1-related conditions. ClinVar contains an entry for this variant (Variation ID: 485974). Advanced modeling of protein sequence and biophysical properties (such as structural, functional, and spatial information, amino acid conservation, physicochemical variation, residue mobility, and thermodynamic stability) performed at Invitae indicates that this missense variant is expected to disrupt NF1 protein function with a positive predictive value of 95%. In summary, the available evidence is currently insufficient to determine the role of this variant in disease. Therefore, it has been classified as a Variant of Uncertain Significance.

Ambry Genetics
Classification: Uncertain significance for Cardiovascular phenotype; Hereditary cancer-predisposing syndrome. Last evaluated: 2024-01-04. Review status: criteria provided, single submitter. Criteria: Ambry Variant Classification Scheme 2023. Collection method: clinical testing. Allele origin: germline.
Comment: The p.P1400Q variant (also known as c.4199C>A), located in coding exon 31 of the NF1 gene, results from a C to A substitution at nucleotide position 4199. The proline at codon 1400 is replaced by glutamine, an amino acid with similar properties. This amino acid position is highly conserved in available vertebrate species. In addition, this alteration is predicted to be deleterious by in silico analysis. Since supporting evidence is limited at this time, the clinical significance of this alteration remains unclear.

NM_001042492.3(NF1):c.4262C>A (p.Pro1421Gln)

Gene: NF1 (neurofibromin 1; plus strand). Cytogenetic location: 17q11.2.
Variant type: single nucleotide variant.
Coding change: c.4262C>A on transcript NM_001042492.3 (MANE Select); coding-DNA position 4262, C replaced by A.
Protein change: p.Pro1421Gln; replaces proline 1421 with glutamine.
Molecular consequence: missense variant.
Genome position (GRCh38, 1-based): chr17:31,258,432, C>A. VCF-style: chr17-31258432-C-A. GRCh37 (hg19) VCF-style: chr17-29585450-C-A.
Other names: c.4199C>A, p.Pro1400Gln (NM_000267.4); short protein forms P1421Q, P1400Q.
Identifiers: ClinVar variation 485974 (VCV000485974.7), dbSNP rs753997885, ClinGen allele CA398997933.